The following is an entry in ClinVar:

ClinVar aggregate classification (germline): Benign (1 of 4 stars; one submission).

Conditions:
Familial adenomatous polyposis 1 (FAP1). Also called: POLYPOSIS, ADENOMATOUS INTESTINAL; FAMILIAL ADENOMATOUS POLYPOSIS 1, ATTENUATED. Identifiers: MedGen C2713442, MONDO:0021056, OMIM 175100. Disease mechanism: loss of function.

Submission:

Myriad Genetics, Inc.
Classification: Benign for Familial adenomatous polyposis 1. Last evaluated: 2024-04-10. Review status: criteria provided, single submitter. Criteria: Myriad Autosomal Dominant, Autosomal Recessive and X-Linked Classification Criteria (2023). Collection method: clinical testing. Allele origin: unknown.
Comment: This variant is considered benign. This variant is a silent/synonymous amino acid change and it is not expected to impact splicing.

NM_000038.6(APC):c.7710A>G (p.Ser2570=)

Gene: APC (APC regulator of Wnt signaling pathway; plus strand). Cytogenetic location: 5q22.2.
Variant type: single nucleotide variant.
Coding change: c.7710A>G on transcript NM_000038.6 (MANE Select); coding-DNA position 7710, A replaced by G.
Protein change: p.Ser2570=; no amino-acid change (serine 2570 retained).
Molecular consequence: synonymous variant. On other transcripts: non-coding transcript variant (2).
Genome position (GRCh38, 1-based): chr5:112,843,304, A>G. VCF-style: chr5-112843304-A-G. GRCh37 (hg19) VCF-style: chr5-112179001-A-G.
Other names: c.7710A>G, p.Ser2570= (NM_001127510.3, NM_001354895.2, NM_001407450.1); c.7656A>G, p.Ser2552= (NM_001127511.3); c.7764A>G, p.Ser2588= (NM_001354896.2, NM_001407447.1, NM_001407448.1 and 1 more transcripts); c.7740A>G, p.Ser2580= (NM_001354897.2); c.7635A>G, p.Ser2545= (NM_001354898.2); c.7626A>G, p.Ser2542= (NM_001354899.2); c.7587A>G, p.Ser2529= (NM_001354900.2); c.7533A>G, p.Ser2511= (NM_001354901.2, NM_001407453.1); and 11 more.
Identifiers: ClinVar variation 3253841 (VCV003253841.1), dbSNP rs2149992368.